The following is an entry in ClinVar:

ClinVar aggregate classification (germline): Likely benign (0 of 4 stars; one submission).

Conditions:
MAGI2-related disorder. Also called: MAGI2-related condition.

Allele frequency attached by ClinVar (database versions not stated): gnomAD exomes 0.00001; TOPMed 0.00001.
gnomAD v4.1: 8 of 1,612,576 alleles (0.0005%); highest among the groups gnomAD compares: Middle Eastern, 0.017%; no homozygotes.

Submission:

PreventionGenetics, part of Exact Sciences
Classification: Likely benign for MAGI2-related condition. Last evaluated: 2022-09-01. Review status: no assertion criteria provided. Collection method: clinical testing. Allele origin: germline.
Comment: This variant is classified as likely benign based on ACMG/AMP sequence variant interpretation guidelines (Richards et al. 2015 PMID: 25741868, with internal and published modifications).

NM_012301.4(MAGI2):c.3706+4C>T

Gene: MAGI2 (membrane associated guanylate kinase, WW and PDZ domain containing 2; minus strand). Cytogenetic location: 7q21.11.
Variant type: single nucleotide variant.
Coding change: c.3706+4C>T on transcript NM_012301.4 (MANE Select); 4 bases into the intron after coding-DNA position 3706, C replaced by T.
Molecular consequence: intron variant.
Genome position (GRCh38, 1-based): chr7:78,078,943, G>A on the plus strand (C>T on the coding strand, the complement: MAGI2 is on the minus strand). VCF-style: chr7-78078943-G-A. GRCh37 (hg19) VCF-style: chr7-77708260-G-A.
Other names: c.3664+4C>T (NM_001301128.2).
Identifiers: ClinVar variation 3053557 (VCV003053557.2), dbSNP rs1290658478, ClinGen allele CA367849840.
Genomic context (GRCh38, chr7:78,078,943, plus strand): 5'-AACCATAAGCATTTATGGTTCACAGAAGGAAGAGCAAAAGGGTGAATTAAAACGTGAAAC[G>A]TACCATATTCTGGGACCTGTCCCGTGCCTCTCTTGAGCAGCAGCCTCACTCGTCTTCCTC-3'